The following is an entry in ClinVar:

ClinVar aggregate classification (germline): Likely benign (1 of 4 stars; one submission).

Conditions:
SCYL1-related disorder. Also called: SCYL1-related condition.

gnomAD v4.1: 4 of 1,608,796 alleles (0.00025%); highest among the groups gnomAD compares: Admixed American, 0.0033%; no homozygotes.

Submission:

PreventionGenetics, part of Exact Sciences
Classification: Likely benign for SCYL1-related condition. Last evaluated: 2026-03-12. Review status: criteria provided, single submitter. Criteria: ACMG Guidelines, 2015. Collection method: clinical testing. Allele origin: germline.
Comment: This variant is classified as likely benign based on ACMG/AMP sequence variant interpretation guidelines (Richards et al. 2015 PMID: 25741868, with internal and published modifications).

NM_020680.4(SCYL1):c.1817-9G>C

Gene: SCYL1 (SCY1 like pseudokinase 1; plus strand). Cytogenetic location: 11q13.1.
Variant type: single nucleotide variant.
Coding change: c.1817-9G>C on transcript NM_020680.4 (MANE Select); 9 bases into the intron before coding-DNA position 1817, G replaced by C.
Molecular consequence: intron variant.
Genome position (GRCh38, 1-based): chr11:65,536,977, G>C. VCF-style: chr11-65536977-G-C. GRCh37 (hg19) VCF-style: chr11-65304448-G-C.
Other names: c.1388-9G>C (NM_001425203.1, NM_001425207.1, NM_001425204.1); c.1388-60G>C (NM_001425205.1, NM_001425206.1); c.1562-9G>C (NM_001425199.1); c.1817-9G>C (NM_001425196.1, NM_001425188.1, NM_001425185.1 and 5 more transcripts); c.1817-12G>C (NM_001425179.1, NM_001425190.1, NM_001425182.1); c.1817-60G>C (NM_001425198.1, NM_001048218.2, NM_001425194.1 and 4 more transcripts); c.1685-9G>C (NM_001425193.1); c.1739-9G>C (NM_001425187.1); and 7 more.
Identifiers: ClinVar variation 4998623 (VCV004998623.1).